The following is an entry in ClinVar:

NM_000484.4(APP):c.1996A>T (p.Ile666Phe)

Gene: APP (amyloid beta precursor protein; minus strand). Cytogenetic location: 21q21.3.
Variant type: single nucleotide variant.
Coding change: c.1996A>T on transcript NM_000484.4 (MANE Select); coding-DNA position 1996, A replaced by T.
Protein change: p.Ile666Phe; replaces isoleucine 666 with phenylalanine.
Molecular consequence: missense variant.
Genome position (GRCh38, 1-based): chr21:25,897,641, T>A on the plus strand (A>T on the coding strand, the complement: APP is on the minus strand). VCF-style: chr21-25897641-T-A. GRCh37 (hg19) VCF-style: chr21-27269953-T-A.
Other names: c.1924A>T, p.Ile642Phe (NM_001136016.3); c.1603A>T, p.Ile535Phe (NM_001136129.3); c.1828A>T, p.Ile610Phe (NM_001136130.3, NM_001385253.1); c.1666A>T, p.Ile556Phe (NM_001136131.3); c.1942A>T, p.Ile648Phe (NM_001204301.2); c.1885A>T, p.Ile629Phe (NM_001204302.2); c.1717A>T, p.Ile573Phe (NM_001204303.2); c.1939A>T, p.Ile647Phe (NM_201413.3); and 1 more; short protein forms I573F, I610F, I535F, I629F, I642F, I647F, I591F, I648F.
Identifiers: ClinVar variation 2064791 (VCV002064791.6), dbSNP rs200084346, ClinGen allele CA9987100.
Genomic context (GRCh38, chr21:25,897,641, plus strand): 5'-GATGATGAACTTCATATCCTGAGTCATGTCGGAATTCTGCATCCATCTTCACTTCAGAGA[T>A]CTCCTCCGTCTTGATATTTGTCAACCCAGAACCTGTATTACATCATAATTAAAGTATGCA-3'
Protein context (NP_000475.1, residues 656-676): SGLTNIKTEE[Ile666Phe]SEVKMDAEFR

ClinVar aggregate classification (germline): Uncertain significance. Review status: criteria provided, multiple submitters, no conflicts (2 of 4 stars). 3 submissions from 3 submitters: Uncertain significance (3). Last evaluated 2025-05-26.

Conditions:
Inborn genetic diseases. Identifiers: MedGen C0950123, MeSH D030342.
Alzheimer disease. Also called: Presenile and senile dementia; Alzheimer's disease. Identifiers: Orphanet 1020, MedGen C0002395, MeSH D000544, MONDO:0004975, HP:0002511.

Allele frequency attached by ClinVar (database versions not stated): TOPMed below 0.00001; gnomAD 0.00001; ExAC 0.00002.
gnomAD v4.1: 70 of 1,613,854 alleles (0.0043%); highest among the groups gnomAD compares: Non-Finnish European, 0.0058%; no homozygotes.

Submissions (3):

Women's Health and Genetics/Laboratory Corporation of America, LabCorp
Classification: Uncertain significance. Last evaluated: 2025-05-26. Review status: criteria provided, single submitter. Criteria: LabCorp Variant Classification Summary - May 2015. Collection method: clinical testing. Allele origin: germline.
Comment: Variant summary: APP c.1996A>T (p.Ile666Phe) results in a non-conservative amino acid change in the encoded protein sequence. Algorithms developed to predict the effect of missense changes on protein structure and function all suggest that this variant is likely to be disruptive. The variant allele was found at a frequency of 2.4e-05 in 251368 control chromosomes. The available data on variant occurrences in the general population are insufficient to allow any conclusion about variant significance. To our knowledge, no occurrence of c.1996A>T in individuals affected with Cerebral Amyloid Angiopathy, APP-Related and no experimental evidence demonstrating its impact on protein function have been reported. ClinVar contains an entry for this variant (Variation ID: 2064791). Based on the evidence outlined above, the variant was classified as uncertain significance.

Labcorp Genetics (formerly Invitae), Labcorp
Classification: Uncertain significance for Alzheimer disease. Last evaluated: 2024-04-15. Review status: criteria provided, single submitter. Criteria: Invitae Variant Classification Sherloc (09022015). Collection method: clinical testing. Allele origin: germline.
Comment: This sequence change replaces isoleucine, which is neutral and non-polar, with phenylalanine, which is neutral and non-polar, at codon 666 of the APP protein (p.Ile666Phe). This variant is present in population databases (rs200084346, gnomAD 0.004%). This variant has not been reported in the literature in individuals affected with APP-related conditions. ClinVar contains an entry for this variant (Variation ID: 2064791). Advanced modeling of protein sequence and biophysical properties (such as structural, functional, and spatial information, amino acid conservation, physicochemical variation, residue mobility, and thermodynamic stability) performed at Invitae indicates that this missense variant is not expected to disrupt APP protein function with a negative predictive value of 95%. In summary, the available evidence is currently insufficient to determine the role of this variant in disease. Therefore, it has been classified as a Variant of Uncertain Significance.

Ambry Genetics
Classification: Uncertain significance for Inborn genetic diseases. Last evaluated: 2021-07-13. Review status: criteria provided, single submitter. Criteria: Ambry Variant Classification Scheme 2023. Collection method: clinical testing. Allele origin: germline.